The following is an entry in ClinVar:

NM_001365276.2(TNXB):c.12711T>A (p.Phe4237Leu)

Genes: CYP21A2 (cytochrome P450 family 21 subfamily A member 2; plus strand), TNXB (tenascin XB; minus strand). Cytogenetic location: 6p21.33.
Variant type: single nucleotide variant.
Coding change: c.12711T>A on transcript NM_001365276.2 (MANE Select); coding-DNA position 12711, T replaced by A.
Protein change: p.Phe4237Leu; replaces phenylalanine 4237 with leucine.
Molecular consequence: missense variant. On other transcripts: 3 prime UTR variant (4).
Genome position (GRCh38, 1-based): chr6:32,041,373, A>T on the plus strand (T>A on the coding strand, the complement: TNXB is on the minus strand). VCF-style: chr6-32041373-A-T. GRCh37 (hg19) VCF-style: chr6-32009150-A-T.
Other names: c.*239A>T (NM_000500.9, NM_001128590.4, NM_001368143.2 and 1 more transcripts); c.13452T>A, p.Phe4484Leu (NM_001428335.1); c.12705T>A, p.Phe4235Leu (NM_019105.8); c.1998T>A, p.Phe666Leu (NM_032470.4); short protein forms F4235L, F4237L, F4484L, F666L.
Identifiers: ClinVar variation 5040446 (VCV005040446.1).

ClinVar aggregate classification (germline): Uncertain significance (1 of 4 stars; one submission).

Submission:

CeGaT Center for Human Genetics Tuebingen
Classification: Uncertain significance. Last evaluated: 2026-08-01. Review status: criteria provided, single submitter. Criteria: CeGaT Center For Human Genetics Tuebingen Variant Classification Criteria Version 2. Collection method: clinical testing. Allele origin: germline. Affected: yes. Observed: 1 variant allele.
Comment: TNXB: PM2